The following is an entry in ClinVar:

ClinVar aggregate classification (germline): Benign/Likely benign. Review status: criteria provided, multiple submitters, no conflicts (2 of 4 stars). 8 submissions from 8 submitters: Benign (4); Likely benign (4). Last evaluated 2026-01-29.

Conditions:
Basal cell nevus syndrome 1 (BCNS1). Also called: GORLIN-GOLTZ SYNDROME; MULTIPLE BASAL CELL NEVI, ODONTOGENIC KERATOCYSTS, AND SKELETAL ANOMALIES. Identifiers: MedGen CN376810, MONDO:0958174, OMIM 109400.
Hereditary cancer-predisposing syndrome. Also called: Neoplastic Syndromes, Hereditary; Hereditary Cancer Syndrome; Hereditary neoplastic syndrome; Tumor predisposition. Identifiers: Orphanet 140162, MedGen C0027672, MeSH D009386, MONDO:0015356.
Gorlin syndrome. Also called: Nevoid Basal Cell Carcinoma Syndrome; Basal cell nevus syndrome. Identifiers: Orphanet 377, MedGen C0004779, MONDO:0007187.

Submissions (10):

Labcorp Genetics (formerly Invitae), Labcorp
Classification: Benign for Gorlin syndrome. Last evaluated: 2026-01-29. Review status: criteria provided, single submitter. Criteria: Invitae Variant Classification Sherloc (09022015). Collection method: clinical testing. Allele origin: germline.

CeGaT Center for Human Genetics Tuebingen
Classification: Likely benign. Last evaluated: 2025-06-01. Review status: criteria provided, single submitter. Criteria: CeGaT Center For Human Genetics Tuebingen Variant Classification Criteria Version 2. Collection method: clinical testing. Allele origin: germline. Affected: yes. Observed: 9 variant alleles.
Comment: PTCH1: BS1

ARUP Laboratories, Molecular Genetics and Genomics, ARUP Laboratories
Classification: Benign. Last evaluated: 2025-05-23. Review status: criteria provided, single submitter. Criteria: ARUP Molecular Germline Variant Investigation Process 2024. Collection method: clinical testing. Allele origin: germline.

Center for Genomic Medicine, Rigshospitalet, Copenhagen University Hospital
Classification: Likely benign. Last evaluated: 2025-03-04. Review status: criteria provided, single submitter. Criteria: ACMG Guidelines, 2015. Collection method: clinical testing. Allele origin: germline.

Blueprint Genetics
Classification: Likely benign. Last evaluated: 2024-11-06. Review status: criteria provided, single submitter. Criteria: ACMG Guidelines, 2015. Collection method: clinical testing. Allele origin: germline.

Genetics and Molecular Pathology, SA Pathology
Classification: Likely benign for Basal cell nevus syndrome 1. Last evaluated: 2020-11-26. Review status: criteria provided, single submitter. Criteria: ACMG Guidelines, 2015. Collection method: clinical testing. Allele origin: germline. Inheritance: Autosomal dominant inheritance. Affected: yes.

Sema4
Classification: Benign for Hereditary cancer-predisposing syndrome. Last evaluated: 2020-08-26. Review status: criteria provided, single submitter. Criteria: Sema4 Curation Guidelines. Collection method: curation. Allele origin: germline.

GeneDx
Classification: Benign. Last evaluated: 2015-03-03. Review status: criteria provided, single submitter. Criteria: GeneDx Variant Classification Process June 2021. Collection method: clinical testing. Allele origin: germline. Affected: yes.

Dr. Peter K. Rogan Lab, Western University
No classification provided (evidence only). Condition: Lymphoma. Review status: no classification provided. Collection method: in vitro. Allele origin: not applicable. Functional consequence: skipped exon. Not counted in ClinVar's aggregate classification.

Dr. Peter K. Rogan Lab, Western University
No classification provided (evidence only). Condition: Ovarian cancer. Review status: no classification provided. Collection method: in vitro. Allele origin: not applicable. Functional consequence: skipped exon, retained intron. Not counted in ClinVar's aggregate classification.

NM_000264.5(PTCH1):c.1729-11del

Genes: PTCH1 (patched 1; minus strand), LOC100507346 (uncharacterized LOC100507346; plus strand). Cytogenetic location: 9q22.32.
Variant type: Deletion.
Coding change: c.1729-11del on transcript NM_000264.5 (MANE Select); 11 bases into the intron before coding-DNA position 1729, one base deleted (T; older notation c.1729-11delT).
Molecular consequence: intron variant. On other transcripts: non-coding transcript variant (1).
Genome position (GRCh38, 1-based): chr9:95,469,942, A deleted on the plus strand (T on the coding strand, the reverse complement: PTCH1 is on the minus strand); the first of 8 consecutive A bases (chr9:95,469,942-95,469,949); deleting any one gives the same sequence. VCF-style (leftmost placement, unchanged base first): chr9-95469941-GA-G. GRCh37 (hg19) VCF-style: chr9-98232223-GA-G.
Other names: NC_000009.11:g.98232231del; c.1726-11del (NM_001083603.3); c.1531-11del (NM_001083602.3); c.1573-11del (NM_001354918.2); c.1276-11del (NM_001083605.3, NM_001083604.3, NM_001083606.3 and 1 more transcripts); c.1729-11delT (NM_000264.5); c.1729-18del (NM_000264.5).
Identifiers: ClinVar variation 1290901 (VCV001290901.40), dbSNP rs779000277, ClinGen allele CA5138527.